The following is an entry in ClinVar:

ClinVar aggregate classification (germline): Benign. Review status: criteria provided, multiple submitters, no conflicts (2 of 4 stars). 7 submissions from 7 submitters: Benign (7). Last evaluated 2026-01-20.

Conditions:
Microcephaly 2, primary, autosomal recessive, with or without cortical malformations. Also called: MICROCEPHALY 2, PRIMARY, AUTOSOMAL RECESSIVE, WITH CORTICAL MALFORMATIONS; WDR62 Primary Microcephaly. Identifiers: Orphanet 2512, MedGen C1858535, MONDO:0011435, OMIM 604317.

Allele frequency attached by ClinVar (database versions not stated): 1000 Genomes Project 0.01058; 1000 Genomes Project 30x 0.01124; TOPMed 0.01158; ESP Exome Variant Server 0.01215.
gnomAD v4.1: 3,091 of 1,614,178 alleles (0.19%); highest among the groups gnomAD compares: African/African-American, 3.7%; 60 homozygotes.

Submissions (7):

Labcorp Genetics (formerly Invitae), Labcorp
Classification: Benign. Last evaluated: 2026-01-20. Review status: criteria provided, single submitter. Criteria: Invitae Variant Classification Sherloc (09022015). Collection method: clinical testing. Allele origin: germline.

Genome-Nilou Lab
Classification: Benign for Microcephaly 2, primary, autosomal recessive, with or without cortical malformations. Last evaluated: 2021-12-05. Review status: criteria provided, single submitter. Criteria: ACMG Guidelines, 2015. Collection method: clinical testing. Allele origin: germline. Affected: no.

Mayo Clinic Laboratories, Mayo Clinic
Classification: Benign. Last evaluated: 2018-07-30. Review status: criteria provided, single submitter. Criteria: ACMG Guidelines, 2015. Collection method: clinical testing. Allele origin: germline. Observed: 7 variant alleles.

Illumina Laboratory Services, Illumina
Classification: Benign for Microcephaly 2, primary, autosomal recessive, with or without cortical malformations. Last evaluated: 2018-01-13. Review status: criteria provided, single submitter. Criteria: ICSL Variant Classification Criteria 13 December 2019. Collection method: clinical testing. Allele origin: germline.
Comment: This variant was observed in the ICSL laboratory as part of a predisposition screen in an ostensibly healthy population. It had not been previously curated by ICSL or reported in the Human Gene Mutation Database (HGMD: prior to June 1st, 2018), and was therefore a candidate for classification through an automated scoring system. Utilizing variant allele frequency, disease prevalence and penetrance estimates, and inheritance mode, an automated score was calculated to assess if this variant is too frequent to cause the disease. Based on the score and internal cut-off values, a variant classified as benign is not then subjected to further curation. The score for this variant resulted in a classification of benign for this disease.

GeneDx
Classification: Benign. Last evaluated: 2015-03-03. Review status: criteria provided, single submitter. Criteria: GeneDx Variant Classification Process June 2021. Collection method: clinical testing. Allele origin: germline. Affected: yes.

Genetic Services Laboratory, University of Chicago
Classification: Benign. Last evaluated: 2013-07-16. Review status: criteria provided, single submitter. Criteria: ACMG Guidelines, 2007. Collection method: clinical testing. Allele origin: germline. Inheritance: Autosomal recessive inheritance.

Breakthrough Genomics
Classification: Benign. Review status: criteria provided, single submitter. Criteria: ACMG Guidelines, 2015. Collection method: not provided. Allele origin: germline. Inheritance: Autosomal recessive inheritance. Affected: yes.

NM_001083961.2(WDR62):c.1315T>G (p.Phe439Val)

Gene: WDR62 (WD repeat domain 62; plus strand). Cytogenetic location: 19q13.12.
Variant type: single nucleotide variant.
Coding change: c.1315T>G on transcript NM_001083961.2 (MANE Select); coding-DNA position 1315, T replaced by G.
Protein change: p.Phe439Val; replaces phenylalanine 439 with valine.
Molecular consequence: missense variant.
Genome position (GRCh38, 1-based): chr19:36,081,514, T>G. VCF-style: chr19-36081514-T-G. GRCh37 (hg19) VCF-style: chr19-36572416-T-G.
Other names: p.Phe439Val; c.1315T>G, p.Phe439Val (NM_173636.5); short protein forms F439V.
Identifiers: ClinVar variation 160247 (VCV000160247.24), dbSNP rs75230537, ClinGen allele CA173892.
Genomic context (GRCh38, chr19:36,081,514, plus strand): 5'-CAGAGAGCTTGTTTGCCATCAGGATCCTTTCTGACTTGTTCTTCAGACAACACCATTCGC[T>G]TCTGGAACTTGGACAGCAGCCCTGATTCTCACTGGCAGAAAAACATCTTCAGCAATGTGA-3'
Protein context (NP_001077430.1, residues 429-449): LTCSSDNTIR[Phe439Val]WNLDSSPDSH